The following is an entry in ClinVar:

ClinVar aggregate classification (germline): Likely benign (1 of 4 stars; one submission).

gnomAD v4.1: 2 of 1,606,980 alleles (0.00012%); highest among the groups gnomAD compares: South Asian, 0.0011%; no homozygotes.

Submission:

CeGaT Center for Human Genetics Tuebingen
Classification: Likely benign. Last evaluated: 2026-01-01. Review status: criteria provided, single submitter. Criteria: CeGaT Center For Human Genetics Tuebingen Variant Classification Criteria Version 2. Collection method: clinical testing. Allele origin: germline. Affected: yes. Observed: 1 variant allele.
Comment: GTF2IRD1: BP4, BP7

NM_005685.4(GTF2IRD1):c.420T>C (p.Tyr140=)

Gene: GTF2IRD1 (GTF2I repeat domain containing 1; plus strand). Cytogenetic location: 7q11.23.
Variant type: single nucleotide variant.
Coding change: c.420T>C on transcript NM_005685.4 (MANE Select); coding-DNA position 420, T replaced by C.
Protein change: p.Tyr140=; no amino-acid change (tyrosine 140 retained).
Molecular consequence: synonymous variant.
Genome position (GRCh38, 1-based): chr7:74,515,595, T>C. VCF-style: chr7-74515595-T-C. GRCh37 (hg19) VCF-style: chr7-73929925-T-C.
Other names: c.516T>C, p.Tyr172= (NM_001199207.2); c.420T>C, p.Tyr140= (NM_001410888.1, NM_016328.3).
Identifiers: ClinVar variation 4823175 (VCV004823175.4).